The following is an entry in ClinVar:

NM_002485.5(NBN):c.128G>A (p.Arg43Gln)

Gene: NBN (nibrin; minus strand). Cytogenetic location: 8q21.3.
Variant type: single nucleotide variant.
Coding change: c.128G>A on transcript NM_002485.5 (MANE Select); coding-DNA position 128, G replaced by A.
Protein change: p.Arg43Gln; replaces arginine 43 with glutamine.
Molecular consequence: missense variant. On other transcripts: 5 prime UTR variant (1).
Genome position (GRCh38, 1-based): chr8:89,982,765, C>T on the plus strand (G>A on the coding strand, the complement: NBN is on the minus strand). VCF-style: chr8-89982765-C-T. GRCh37 (hg19) VCF-style: chr8-90994993-C-T.
Other names: c.-169G>A (NM_001024688.3); short protein forms R43Q.
Identifiers: ClinVar variation 483960 (VCV000483960.19), dbSNP rs759146120, ClinGen allele CA4803053.

ClinVar aggregate classification (germline): Uncertain significance. Review status: criteria provided, multiple submitters, no conflicts (2 of 4 stars). 4 submissions from 4 submitters: Uncertain significance (3). 1 of the submissions does not count toward it. Last evaluated 2025-07-07.

Conditions:
Hereditary cancer-predisposing syndrome. Also called: Hereditary neoplastic syndrome; Neoplastic Syndromes, Hereditary; Tumor predisposition; Hereditary Cancer Syndrome. Identifiers: Orphanet 140162, MedGen C0027672, MeSH D009386, MONDO:0015356.
Microcephaly, normal intelligence and immunodeficiency (NBS). Also called: IMMUNODEFICIENCY, MICROCEPHALY, AND CHROMOSOMAL INSTABILITY; SEEMANOVA SYNDROME II; Nijmegen breakage syndrome; Microcephaly with normal intelligence immunodeficiency and lymphoreticular malignancies; Nonsyndromal microcephaly autosomal recessive with normal intelligence; Seemanova syndrome 2. Identifiers: Orphanet 647, MedGen C0398791, MONDO:0009623, OMIM 251260.

Allele frequency attached by ClinVar (database versions not stated): ExAC 0.00001; gnomAD exomes 0.00001.

Submissions (4):

Labcorp Genetics (formerly Invitae), Labcorp
Classification: Uncertain significance for Microcephaly, normal intelligence and immunodeficiency. Last evaluated: 2025-07-07. Review status: criteria provided, single submitter. Criteria: Invitae Variant Classification Sherloc (09022015). Collection method: clinical testing. Allele origin: germline.
Comment: This sequence change replaces arginine, which is basic and polar, with glutamine, which is neutral and polar, at codon 43 of the NBN protein (p.Arg43Gln). This variant is present in population databases (rs759146120, gnomAD 0.003%). This variant has not been reported in the literature in individuals affected with NBN-related conditions. ClinVar contains an entry for this variant (Variation ID: 483960). An algorithm developed to predict the effect of missense changes on protein structure and function (PolyPhen-2) suggests that this variant is likely to be disruptive. In summary, the available evidence is currently insufficient to determine the role of this variant in disease. Therefore, it has been classified as a Variant of Uncertain Significance.

Genome-Nilou Lab
Classification: Uncertain significance for Microcephaly, normal intelligence and immunodeficiency. Last evaluated: 2021-11-07. Review status: criteria provided, single submitter. Criteria: ACMG Guidelines, 2015. Collection method: clinical testing. Allele origin: germline. Affected: no.

Ambry Genetics
Classification: Uncertain significance for Hereditary cancer-predisposing syndrome. Last evaluated: 2021-07-30. Review status: criteria provided, single submitter. Criteria: Ambry Variant Classification Scheme 2023. Collection method: clinical testing. Allele origin: germline.
Comment: The p.R43Q variant (also known as c.128G>A), located in coding exon 2 of the NBN gene, results from a G to A substitution at nucleotide position 128. The arginine at codon 43 is replaced by glutamine, an amino acid with highly similar properties. This amino acid position is highly conserved in available vertebrate species. In addition, this alteration is predicted to be deleterious by in silico analysis. Since supporting evidence is limited at this time, the clinical significance of this alteration remains unclear.

Natera, Inc.
Classification: Uncertain significance for Nijmegen breakage syndrome. Last evaluated: 2020-12-23. Review status: no assertion criteria provided. Collection method: clinical testing. Allele origin: germline. Not counted in ClinVar's aggregate classification.